The following is an entry in ClinVar:

ClinVar aggregate classification (germline): Uncertain significance. Review status: criteria provided, multiple submitters, no conflicts (2 of 4 stars). 6 submissions from 6 submitters: Uncertain significance (6). Last evaluated 2025-12-03.

Conditions:
Long QT syndrome 2 (LQT2). Identifiers: Orphanet 101016, Orphanet 768, MedGen C3150943, MONDO:0013367, OMIM 613688.
Short QT syndrome type 1. Identifiers: Orphanet 51083, MedGen C1865020, MONDO:0012312, OMIM 609620.
Long QT syndrome (LQTS). Identifiers: MedGen C0023976, MeSH D008133, MONDO:0002442. Disease mechanism: loss of function. Inheritance: Various modes of inheritance.
Cardiovascular phenotype. Identifiers: MedGen CN230736.
Cardiac arrhythmia. Also called: Arrhythmia; Cardiac rhythm disease. Identifiers: MedGen C0003811, MONDO:0007263, HP:0011675.

Allele frequency attached by ClinVar (database versions not stated): TOPMed below 0.00001; ExAC 0.00001; gnomAD exomes 0.00001.
gnomAD v4.1: 10 of 1,613,650 alleles (0.00062%); highest among the groups gnomAD compares: African/African-American, 0.0027%; no homozygotes.

Submissions (6):

Ambry Genetics
Classification: Uncertain significance for Cardiovascular phenotype. Last evaluated: 2025-12-03. Review status: criteria provided, single submitter. Criteria: Ambry Variant Classification Scheme 2023. Collection method: clinical testing. Allele origin: germline.
Comment: The p.N317S variant (also known as c.950A>G), located in coding exon 5 of the KCNH2 gene, results from an A to G substitution at nucleotide position 950. The asparagine at codon 317 is replaced by serine, an amino acid with highly similar properties. This amino acid position is highly conserved in available vertebrate species. In addition, the in silico prediction for this alteration is inconclusive. Based on the available evidence, the clinical significance of this variant remains unclear.

Labcorp Genetics (formerly Invitae), Labcorp
Classification: Uncertain significance for Long QT syndrome. Last evaluated: 2025-07-14. Review status: criteria provided, single submitter. Criteria: Invitae Variant Classification Sherloc (09022015). Collection method: clinical testing. Allele origin: germline.
Comment: This sequence change replaces asparagine, which is neutral and polar, with serine, which is neutral and polar, at codon 317 of the KCNH2 protein (p.Asn317Ser). This variant is present in population databases (rs779027664, gnomAD 0.003%). This variant has not been reported in the literature in individuals affected with KCNH2-related conditions. ClinVar contains an entry for this variant (Variation ID: 405346). An algorithm developed to predict the effect of missense changes on protein structure and function (PolyPhen-2) suggests that this variant is likely to be tolerated. In summary, the available evidence is currently insufficient to determine the role of this variant in disease. Therefore, it has been classified as a Variant of Uncertain Significance.

Molecular Diagnostic Laboratory for Inherited Cardiovascular Disease, Montreal Heart Institute
Classification: Uncertain significance for Cardiovascular phenotype. Last evaluated: 2025-04-09. Review status: criteria provided, single submitter. Criteria: ACMG Guidelines, 2015. Collection method: clinical testing. Allele origin: germline. Affected: yes.
Comment: PM2, PP2

Color Diagnostics, LLC DBA Color Health
Classification: Uncertain significance for Cardiac arrhythmia. Last evaluated: 2024-03-06. Review status: criteria provided, single submitter. Criteria: ACMG Guidelines, 2015. Collection method: clinical testing. Allele origin: germline.
Comment: This missense variant replaces asparagine with serine at codon 317 of the KCNH2 protein. Computational prediction suggests that this variant may not impact protein structure and function (internally defined REVEL score threshold <= 0.5, PMID: 27666373). To our knowledge, functional studies have not been reported for this variant. This variant has not been reported in individuals affected with KCNH2-related disorders in the literature. This variant has been identified in 2/250140 chromosomes in the general population by the Genome Aggregation Database (gnomAD). The available evidence is insufficient to determine the role of this variant in disease conclusively. Therefore, this variant is classified as a Variant of Uncertain Significance.

All of Us Research Program, National Institutes of Health
Classification: Uncertain significance for Long QT syndrome. Last evaluated: 2023-08-28. Review status: criteria provided, single submitter. Criteria: ACMG Guidelines, 2015. Collection method: clinical testing. Allele origin: germline. Inheritance: Autosomal dominant inheritance. Observed: 3 variant alleles, 3 heterozygotes.
Comment: This missense variant replaces asparagine with serine at codon 317 of the KCNH2 protein. Computational prediction tools and conservation analyses are inconclusive regarding the impact of this variant on the protein function. Computational splicing tools suggest that this variant may not impact RNA splicing. To our knowledge, functional assays have not been performed for this variant nor has this variant been reported in individuals affected with cardiovascular disorders in the literature. This variant has been identified in 2/250140 chromosomes in the general population by the Genome Aggregation Database (gnomAD). Available evidence is insufficient to determine the role of this variant in disease conclusively. Therefore, this variant is classified as a Variant of Uncertain Significance.

This study involves interpretation of variants in research participants for the purpose of population health screening. Participant phenotype was not available at the time of variant classification. Additional details can be found in publication PMID: 35346344, PMCID: PMC8962531

Fulgent Genetics
Classification: Uncertain significance for Short QT syndrome type 1; Long QT syndrome 2. Last evaluated: 2018-10-31. Review status: criteria provided, single submitter. Criteria: ACMG Guidelines, 2015. Collection method: clinical testing. Allele origin: unknown.

NM_000238.4(KCNH2):c.950A>G (p.Asn317Ser)

Gene: KCNH2 (potassium voltage-gated channel subfamily H member 2; minus strand). Cytogenetic location: 7q36.1.
Variant type: single nucleotide variant.
Coding change: c.950A>G on transcript NM_000238.4 (MANE Select); coding-DNA position 950, A replaced by G.
Protein change: p.Asn317Ser; replaces asparagine 317 with serine.
Molecular consequence: missense variant.
Genome position (GRCh38, 1-based): chr7:150,957,469, T>C on the plus strand (A>G on the coding strand, the complement: KCNH2 is on the minus strand). VCF-style: chr7-150957469-T-C. GRCh37 (hg19) VCF-style: chr7-150654557-T-C.
Other names: c.662A>G, p.Asn221Ser (NM_001406753.1, NM_001406756.1); c.773A>G, p.Asn258Ser (NM_001406755.1); c.650A>G, p.Asn217Ser (NM_001406757.1); c.950A>G, p.Asn317Ser (NM_172056.3); short protein forms N317S, N217S, N221S, N258S.
Identifiers: ClinVar variation 405346 (VCV000405346.55), dbSNP rs779027664, ClinGen allele CA041119.